The following is an entry in ClinVar:

ClinVar aggregate classification (germline): Uncertain significance (1 of 4 stars; one submission).

Conditions:
Bethlem myopathy 1A. Also called: Bethlem Muscular Dystrophy; Bethlem myopathy 1; MYOPATHY, BENIGN CONGENITAL, WITH CONTRACTURES. Identifiers: Orphanet 610, MedGen CN029274, MONDO:0024530, OMIM 158810.

Submission:

Labcorp Genetics (formerly Invitae), Labcorp
Classification: Uncertain significance for Bethlem myopathy 1A. Last evaluated: 2019-07-12. Review status: criteria provided, single submitter. Criteria: Invitae Variant Classification Sherloc (09022015). Collection method: clinical testing. Allele origin: germline.
Comment: In summary, the available evidence is currently insufficient to determine the role of this variant in disease. Therefore, it has been classified as a Variant of Uncertain Significance. This sequence change replaces valine with alanine at codon 2930 of the COL6A3 protein (p.Val2930Ala). The valine residue is moderately conserved and there is a small physicochemical difference between valine and alanine. This variant is not present in population databases (ExAC no frequency). This variant has not been reported in the literature in individuals with COL6A3-related conditions. Algorithms developed to predict the effect of missense changes on protein structure and function output the following: SIFT: "Tolerated"; PolyPhen-2: "Not Available"; Align-GVGD: "Class C0". The alanine amino acid residue is found in multiple mammalian species, suggesting that this missense change does not adversely affect protein function. These predictions have not been confirmed by published functional studies and their clinical significance is uncertain.

NM_004369.4(COL6A3):c.8789T>C (p.Val2930Ala)

Gene: COL6A3 (collagen type VI alpha 3 chain; minus strand). Cytogenetic location: 2q37.3.
Variant type: single nucleotide variant.
Coding change: c.8789T>C on transcript NM_004369.4 (MANE Select); coding-DNA position 8789, T replaced by C.
Protein change: p.Val2930Ala; replaces valine 2930 with alanine.
Molecular consequence: missense variant.
Genome position (GRCh38, 1-based): chr2:237,336,311, A>G on the plus strand (T>C on the coding strand, the complement: COL6A3 is on the minus strand). VCF-style: chr2-237336311-A-G. GRCh37 (hg19) VCF-style: chr2-238244954-A-G.
Other names: c.6968T>C, p.Val2323Ala (NM_057166.5); c.8171T>C, p.Val2724Ala (NM_057167.4); short protein forms V2323A, V2930A, V2724A.
Identifiers: ClinVar variation 950606 (VCV000950606.10), dbSNP rs1700542767, ClinGen allele CA351191563.